The following is an entry in ClinVar:

NM_003835.4(RGS9):c.746+6T>C

Gene: RGS9 (regulator of G protein signaling 9; plus strand). Cytogenetic location: 17q24.1.
Variant type: single nucleotide variant.
Coding change: c.746+6T>C on transcript NM_003835.4 (MANE Select); 6 bases into the intron after coding-DNA position 746, T replaced by C.
Molecular consequence: intron variant.
Genome position (GRCh38, 1-based): chr17:65,190,242, T>C. VCF-style: chr17-65190242-T-C. GRCh37 (hg19) VCF-style: chr17-63186360-T-C.
Other names: c.737+6T>C (NM_001081955.3, NM_001165933.2).
Identifiers: ClinVar variation 1050958 (VCV001050958.7), dbSNP rs2144064450, ClinGen allele CA2499224838.

ClinVar aggregate classification (germline): Uncertain significance (1 of 4 stars; one submission).

gnomAD v4.1: 1 of 1,610,934 alleles (0.000062%); highest among the groups gnomAD compares: Non-Finnish European, 0.000085%; no homozygotes.

Submission:

Labcorp Genetics (formerly Invitae), Labcorp
Classification: Uncertain significance. Last evaluated: 2020-01-03. Review status: criteria provided, single submitter. Criteria: Invitae Variant Classification Sherloc (09022015). Collection method: clinical testing. Allele origin: germline.
Comment: In summary, the available evidence is currently insufficient to determine the role of this variant in disease. Therefore, it has been classified as a Variant of Uncertain Significance. Nucleotide substitutions within the consensus splice site are a relatively common cause of aberrant splicing (PMID: 17576681, 9536098). Algorithms developed to predict the effect of sequence changes on RNA splicing suggest that this variant is not likely to affect RNA splicing, but this prediction has not been confirmed by published transcriptional studies. This variant has not been reported in the literature in individuals with RGS9-related conditions. This variant is not present in population databases (ExAC no frequency). This sequence change falls in intron 11 of the RGS9 gene. It does not directly change the encoded amino acid sequence of the RGS9 protein, but it affects a nucleotide within the consensus splice site of the intron.

Literature cited by the submitters: PubMed 17576681; PubMed 9536098.